The following is an entry in ClinVar:

NM_016507.4(CDK12):c.1451A>G (p.Asp484Gly)

Gene: CDK12 (cyclin dependent kinase 12; plus strand). Cytogenetic location: 17q12.
Variant type: single nucleotide variant.
Coding change: c.1451A>G on transcript NM_016507.4 (MANE Select); coding-DNA position 1451, A replaced by G.
Protein change: p.Asp484Gly; replaces aspartic acid 484 with glycine.
Molecular consequence: missense variant.
Genome position (GRCh38, 1-based): chr17:39,471,283, A>G. VCF-style: chr17-39471283-A-G. GRCh37 (hg19) VCF-style: chr17-37627536-A-G.
Other names: c.1451A>G, p.Asp484Gly (NM_015083.4); short protein forms D484G.
Identifiers: ClinVar variation 4868585 (VCV004868585.1).

ClinVar aggregate classification (germline): Uncertain significance (1 of 4 stars; one submission).

Submission:

Ambry Genetics
Classification: Uncertain significance. Last evaluated: 2026-06-10. Review status: criteria provided, single submitter. Criteria: Ambry Variant Classification Scheme 2023. Collection method: clinical testing. Allele origin: germline.
Comment: The p.D484G variant (also known as c.1451A>G), located in coding exon 2 of the CDK12 gene, results from an A to G substitution at nucleotide position 1451. The aspartic acid at codon 484 is replaced by glycine, an amino acid with similar properties. This amino acid position is conserved. In addition, this alteration is predicted to be tolerated by in silico analysis. Based on the available evidence, the clinical significance of this variant remains unclear.